The following is an entry in ClinVar:

NM_000540.3(RYR1):c.2046G>A (p.Arg682=)

Gene: RYR1 (ryanodine receptor 1; plus strand). Cytogenetic location: 19q13.2.
Variant type: single nucleotide variant.
Coding change: c.2046G>A on transcript NM_000540.3 (MANE Select); coding-DNA position 2046, G replaced by A.
Protein change: p.Arg682=; no amino-acid change (arginine 682 retained).
Molecular consequence: synonymous variant.
Genome position (GRCh38, 1-based): chr19:38,458,171, G>A. VCF-style: chr19-38458171-G-A. GRCh37 (hg19) VCF-style: chr19-38948811-G-A.
Other names: c.2046G>A, p.Arg682= (NM_001042723.2).
Identifiers: ClinVar variation 4874858 (VCV004874858.2).
Genomic context (GRCh38, chr19:38,458,171, plus strand): 5'-CTTTGAGGTGATGGTGGACGAGGTGACTCCATTTCTGACAGCTCAGGCCACCCACTTGCG[G>A]GTGGGCTGGGCCCTCACCGAGGGCTACACCCCCTACCCTGGGGCCGGCGAGGGCTGGGGC-3'
Protein context (NP_000531.2, residues 672-692): PFLTAQATHL[Arg682=]VGWALTEGYT

ClinVar aggregate classification (germline): Likely benign (1 of 4 stars; one submission).

Submission:

CeGaT Center for Human Genetics Tuebingen
Classification: Likely benign. Last evaluated: 2026-05-01. Review status: criteria provided, single submitter. Criteria: CeGaT Center For Human Genetics Tuebingen Variant Classification Criteria Version 2. Collection method: clinical testing. Allele origin: germline. Affected: yes. Observed: 1 variant allele.
Comment: RYR1: PM2:Supporting, BP4, BP7